The following is an entry in ClinVar:

NM_000170.3(GLDC):c.249G>A (p.Gly83=)

Gene: GLDC (glycine decarboxylase; minus strand). Cytogenetic location: 9p24.1.
Variant type: single nucleotide variant.
Coding change: c.249G>A on transcript NM_000170.3 (MANE Select); coding-DNA position 249, G replaced by A.
Protein change: p.Gly83=; no amino-acid change (glycine 83 retained).
Molecular consequence: synonymous variant.
Genome position (GRCh38, 1-based): chr9:6,645,251, C>T on the plus strand (G>A on the coding strand, the complement: GLDC is on the minus strand). VCF-style: chr9-6645251-C-T. GRCh37 (hg19) VCF-style: chr9-6645251-C-T.
Other names: p.Gly83=.
Identifiers: ClinVar variation 255456 (VCV000255456.26), dbSNP rs12341698, ClinGen allele CA4981263.

ClinVar aggregate classification (germline): Benign/Likely benign. Review status: criteria provided, multiple submitters, no conflicts (2 of 4 stars). 9 submissions from 9 submitters: Benign (7); Likely benign (1). 1 of the submissions does not count toward it. Last evaluated 2026-02-04.

Conditions:
Glycine encephalopathy. Also called: Non-ketotic hyperglycinemia; Nonketotic hyperglycinemia. Identifiers: Orphanet 407, MedGen C0751748, MONDO:0011612, HP:0008288.

Allele frequency attached by ClinVar (database versions not stated): ESP Exome Variant Server 0.20852; TOPMed 0.21325; gnomAD 0.21682 and 0.22000; gnomAD exomes 0.22571; 1000 Genomes Project 30x 0.24828; 1000 Genomes Project 0.24920; ExAC 0.28320.
gnomAD v4.1: 351,977 of 1,593,952 alleles (22%); highest among the groups gnomAD compares: South Asian, 32%; 39,747 homozygotes.

Submissions (9):

Labcorp Genetics (formerly Invitae), Labcorp
Classification: Benign for Glycine encephalopathy. Last evaluated: 2026-02-04. Review status: criteria provided, single submitter. Criteria: Invitae Variant Classification Sherloc (09022015). Collection method: clinical testing. Allele origin: germline.

Blueprint Genetics
Classification: Likely benign. Last evaluated: 2024-11-27. Review status: criteria provided, single submitter. Criteria: ACMG Guidelines, 2015. Collection method: clinical testing. Allele origin: germline.

Mayo Clinic Laboratories, Mayo Clinic
Classification: Benign. Last evaluated: 2021-11-29. Review status: criteria provided, single submitter. Criteria: ACMG Guidelines, 2015. Collection method: clinical testing. Allele origin: germline. Observed: 91 variant alleles.

Genome-Nilou Lab
Classification: Benign for Glycine encephalopathy 1. Last evaluated: 2021-07-10. Review status: criteria provided, single submitter. Criteria: ACMG Guidelines, 2015. Collection method: clinical testing. Allele origin: germline. Affected: no.

GeneDx
Classification: Benign. Last evaluated: 2018-07-17. Review status: criteria provided, single submitter. Criteria: GeneDx Variant Classification Process June 2021. Collection method: clinical testing. Allele origin: germline. Affected: yes.

Illumina Laboratory Services, Illumina
Classification: Benign for Glycine encephalopathy 1. Last evaluated: 2018-01-13. Review status: criteria provided, single submitter. Criteria: ICSL Variant Classification Criteria 13 December 2019. Collection method: clinical testing. Allele origin: germline.
Comment: This variant was observed in the ICSL laboratory as part of a predisposition screen in an ostensibly healthy population. It had not been previously curated by ICSL or reported in the Human Gene Mutation Database (HGMD: prior to June 1st, 2018), and was therefore a candidate for classification through an automated scoring system. Utilizing variant allele frequency, disease prevalence and penetrance estimates, and inheritance mode, an automated score was calculated to assess if this variant is too frequent to cause the disease. Based on the score and internal cut-off values, a variant classified as benign is not then subjected to further curation. The score for this variant resulted in a classification of benign for this disease.

Breakthrough Genomics
Classification: Benign. Review status: criteria provided, single submitter. Criteria: ACMG Guidelines, 2015. Collection method: not provided. Allele origin: germline. Inheritance: Autosomal recessive inheritance. Affected: yes.

PreventionGenetics, part of Exact Sciences
Classification: Benign. Review status: criteria provided, single submitter. Criteria: ACMG Guidelines, 2015. Collection method: clinical testing. Allele origin: germline.

Natera, Inc.
Classification: Benign for Non-ketotic hyperglycinemia. Last evaluated: 2019-11-20. Review status: no assertion criteria provided. Collection method: clinical testing. Allele origin: germline. Not counted in ClinVar's aggregate classification.